The following is an entry in ClinVar:

ClinVar aggregate classification (germline): Likely pathogenic (1 of 4 stars; one submission).

Conditions:
Zellweger spectrum disorders (ZS). Also called: Zellweger Spectrum Disorder (ZSD); Zellweger syndrome; Zellweger Spectrum Disorder; Zellweger Spectrum. Identifiers: Orphanet 912, MedGen C0043459, MONDO:0019609.

Submission:

Natera, Inc.
Classification: Likely pathogenic for Zellweger syndrome. Last evaluated: 2026-01-05. Review status: criteria provided, single submitter. Criteria: Natera Variant Classification Schema (03/2026). Collection method: clinical testing. Allele origin: germline.
Comment: The c.446del variant in PEX2 is a frameshift variant predicted to shift the reading frame beginning at codon 149 and leads to a stop codon 3 codons downstream. This variant is expected to result in nonsense mediated decay, truncation, or a dysfunctional protein product. This variant is rare in the general population with a frequency below the threshold expected for the associated phenotype(s). Given the available evidence, this variant is classified as Likely Pathogenic.

NM_000318.3(PEX2):c.446del (p.Gly149fs)

Gene: PEX2 (peroxisomal biogenesis factor 2; minus strand). Cytogenetic location: 8q21.13.
Variant type: Deletion.
Coding change: c.446del on transcript NM_000318.3 (MANE Select); coding-DNA position 446, one base deleted (G; older notation c.446delG).
Protein change: p.Gly149fs; shifts the reading frame from glycine 149.
Molecular consequence: frameshift variant.
Genome position (GRCh38, 1-based): chr8:76,983,733, C deleted on the plus strand (G on the coding strand, the reverse complement: PEX2 is on the minus strand); the first of 2 consecutive C bases (chr8:76,983,733-76,983,734); deleting either gives the same sequence. VCF-style (leftmost placement, unchanged base first): chr8-76983732-AC-A. GRCh37 (hg19) VCF-style: chr8-77895968-AC-A.
Other names: c.446del, p.Gly149fs (NM_001079867.2, NM_001172086.2, NM_001172087.2); short protein forms G149fs.
Identifiers: ClinVar variation 4818159 (VCV004818159.1).